The following is an entry in ClinVar:

ClinVar aggregate classification (germline): Benign/Likely benign. Review status: criteria provided, multiple submitters, no conflicts (2 of 4 stars). 5 submissions from 5 submitters: Benign (1); Likely benign (2). 2 of the submissions do not count toward it. Last evaluated 2026-01-27.

Conditions:
CEP135-related disorder. Also called: CEP135-related condition.

Allele frequency attached by ClinVar (database versions not stated): gnomAD exomes 0.00099 and 0.00235; ExAC 0.00300; 1000 Genomes Project 0.00958; gnomAD 0.00969 and 0.01034; 1000 Genomes Project 30x 0.01031; TOPMed 0.01127; ESP Exome Variant Server 0.01238.
gnomAD v4.1: 3,015 of 1,605,104 alleles (0.19%); highest among the groups gnomAD compares: African/African-American, 3.4%; 51 homozygotes.

Submissions (5):

Labcorp Genetics (formerly Invitae), Labcorp
Classification: Benign. Last evaluated: 2026-01-27. Review status: criteria provided, single submitter. Criteria: Invitae Variant Classification Sherloc (09022015). Collection method: clinical testing. Allele origin: germline.

GeneDx
Classification: Likely benign. Last evaluated: 2020-01-07. Review status: criteria provided, single submitter. Criteria: GeneDx Variant Classification Process June 2021. Collection method: clinical testing. Allele origin: germline. Affected: yes.

Breakthrough Genomics
Classification: Likely benign. Review status: criteria provided, single submitter. Criteria: ACMG Guidelines, 2015. Collection method: not provided. Allele origin: germline. Inheritance: Autosomal recessive inheritance. Affected: yes.

PreventionGenetics, part of Exact Sciences
Classification: Benign for CEP135-related condition. Last evaluated: 2019-05-30. Review status: no assertion criteria provided. Collection method: clinical testing. Allele origin: germline. Not counted in ClinVar's aggregate classification.
Comment: This variant is classified as benign based on ACMG/AMP sequence variant interpretation guidelines (Richards et al. 2015 PMID: 25741868, with internal and published modifications).

Genetic Services Laboratory, University of Chicago
Classification: Likely benign for AllHighlyPenetrant. Review status: no assertion criteria provided. Collection method: clinical testing. Allele origin: germline. Inheritance: Autosomal recessive inheritance. Not counted in ClinVar's aggregate classification.
Comment: Likely benign based on allele frequency in 1000 Genomes Project or ESP global frequency and its presence in a patient with a rare or unrelated disease phenotype. NOT Sanger confirmed.

NM_025009.5(CEP135):c.2724A>G (p.Arg908=)

Gene: CEP135 (centrosomal protein 135; plus strand). Cytogenetic location: 4q12.
Variant type: single nucleotide variant.
Coding change: c.2724A>G on transcript NM_025009.5 (MANE Select); coding-DNA position 2724, A replaced by G.
Protein change: p.Arg908=; no amino-acid change (arginine 908 retained).
Molecular consequence: synonymous variant.
Genome position (GRCh38, 1-based): chr4:56,011,907, A>G. VCF-style: chr4-56011907-A-G. GRCh37 (hg19) VCF-style: chr4-56878073-A-G.
Identifiers: ClinVar variation 128697 (VCV000128697.20), dbSNP rs113687114, ClinGen allele CA152298.